The following is an entry in ClinVar:

ClinVar aggregate classification (germline): Likely pathogenic. Review status: criteria provided, single submitter (1 of 4 stars). 2 submissions from 2 submitters: Likely pathogenic (1). 1 of the submissions does not count toward it. Last evaluated 2024-05-22.

Conditions:
Charcot-Marie-Tooth disease, demyelinating, IIA 1I. Also called: CHARCOT-MARIE-TOOTH NEUROPATHY, TYPE 1I; Charcot-Marie-Tooth disease, demyelinating, type 1I. Identifiers: MedGen C5676914, MONDO:0030677, OMIM 619742.

Submissions (2):

GeneDx
Classification: Likely pathogenic. Last evaluated: 2024-05-22. Review status: criteria provided, single submitter. Criteria: GeneDx Variant Classification Process June 2021. Collection method: clinical testing. Allele origin: germline. Affected: yes.
Comment: Not observed at significant frequency in large population cohorts (gnomAD); In silico analysis supports that this missense variant has a deleterious effect on protein structure/function; This variant is associated with the following publications: (PMID: 33417887)

OMIM
Classification: Pathogenic for CHARCOT-MARIE-TOOTH DISEASE, DEMYELINATING, TYPE 1I. Last evaluated: 2022-06-17. Review status: no assertion criteria provided. Collection method: literature only. Allele origin: germline. Not counted in ClinVar's aggregate classification.

Literature cited by the submitters: PubMed 35395209 (cited by OMIM).

NM_018082.6(POLR3B):c.1087G>A (p.Glu363Lys)

Gene: POLR3B (RNA polymerase III subunit B; plus strand). Cytogenetic location: 12q23.3.
Variant type: single nucleotide variant.
Coding change: c.1087G>A on transcript NM_018082.6 (MANE Select); coding-DNA position 1087, G replaced by A.
Protein change: p.Glu363Lys; replaces glutamic acid 363 with lysine.
Molecular consequence: missense variant.
Genome position (GRCh38, 1-based): chr12:106,410,946, G>A. VCF-style: chr12-106410946-G-A. GRCh37 (hg19) VCF-style: chr12-106804724-G-A.
Other names: c.913G>A, p.Glu305Lys (NM_001160708.2); short protein forms E363K, E305K.
Identifiers: ClinVar variation 1341670 (VCV001341670.3), dbSNP rs2136937347, ClinGen allele CA386387579.